The following is an entry in ClinVar:

ClinVar aggregate classification (germline): Uncertain significance (1 of 4 stars; one submission).

Conditions:
Neurodevelopmental abnormality. Identifiers: MedGen C4022737, HP:0012759.

Submission:

Institute of Human Genetics, University of Goettingen
Classification: Uncertain significance for Neurodevelopmental abnormality. Last evaluated: 2022-08-02. Review status: criteria provided, single submitter. Criteria: ACMG Guidelines, 2015. Collection method: clinical testing. Allele origin: unknown. Inheritance: Autosomal dominant inheritance. Observed: 1 heterozygote.
Comment: The variant c.583T>A (p.(Trp195Arg)) in exon 4 of the CACNA1C-gene is not found in the gnomAD database, it affects a highly conserved nucleotide, a highly conserved amino acid within a protein domain and there is a moderate physicochemical difference between Trp and Arg. This variant has a pathogenic computational verdict based on in silico predictions algorithms. ACMG criteria used for classification: PM2, PP2, PP3.

NM_000719.7(CACNA1C):c.583T>A (p.Trp195Arg)

Gene: CACNA1C (calcium voltage-gated channel subunit alpha1 C; plus strand). Cytogenetic location: 12p13.33.
Variant type: single nucleotide variant.
Coding change: c.583T>A on transcript NM_000719.7 (MANE Select); coding-DNA position 583, T replaced by A.
Protein change: p.Trp195Arg; replaces tryptophan 195 with arginine.
Molecular consequence: missense variant.
Genome position (GRCh38, 1-based): chr12:2,449,081, T>A. VCF-style: chr12-2449081-T-A. GRCh37 (hg19) VCF-style: chr12-2558247-T-A.
Other names: c.583T>A, p.Trp195Arg (NM_001129827.2, NM_001129829.2, NM_001129830.3 and 19 more transcripts); short protein forms W195R.
Identifiers: ClinVar variation 1698720 (VCV001698720.2), dbSNP rs2154562876, ClinGen allele CA383367496.